The following is an entry in ClinVar:

NM_004380.3(CREBBP):c.1778dup (p.His593fs)

Gene: CREBBP (CREB binding lysine acetyltransferase; minus strand). Cytogenetic location: 16p13.3.
Variant type: Duplication.
Coding change: c.1778dup on transcript NM_004380.3 (MANE Select); coding-DNA position 1778, one base duplicated (A; older notation c.1778dupA).
Protein change: p.His593fs; shifts the reading frame from histidine 593.
Molecular consequence: frameshift variant.
Genome position (GRCh38, 1-based): chr16:3,780,777, T duplicated on the plus strand (A on the coding strand, the reverse complement: CREBBP is on the minus strand). VCF-style (leftmost placement, unchanged base first): chr16-3780776-G-GT. GRCh37 (hg19) VCF-style: chr16-3830777-G-GT.
Other names: c.1664dup, p.His555fs (NM_001079846.1); short protein forms H555fs, H593fs.
Identifiers: ClinVar variation 4880623 (VCV004880623.2).

ClinVar aggregate classification (germline): Likely pathogenic (1 of 4 stars; one submission).

Submission:

Dasa
Classification: Likely pathogenic. Last evaluated: 2025-09-24. Review status: criteria provided, single submitter. Criteria: DASA Assertion Criteria. Collection method: clinical testing. Allele origin: germline.
Comment: NM_004380.3(CREBBP):c.1778dup (p.His593Glnfs*15) is a frameshift variant in CREBBP predicted to alter the reading frame and introduce a premature termination codon and is predicted to result in an absent or altered protein product. Loss of function is an established disease mechanism for CREBBP (PMID: 17473832; PMID: 20717166; PMID: 18792986). Also, this variant is absent from population databases. Based on the currently available evidence, this variant is classified as likely pathogenic.

Literature cited by the submitters: PubMed 17473832; PubMed 20717166; PubMed 18792986.